The following is an entry in ClinVar:

ClinVar aggregate classification (germline): Conflicting classifications of pathogenicity. Review status: criteria provided, conflicting classifications (1 of 4 stars). 2 submissions from 2 submitters: Uncertain significance (1); Likely benign (1). Last evaluated 2026-06-03.

Conditions:
BAP1-related tumor predisposition syndrome (TPDS1). Also called: TUMOR PREDISPOSITION SYNDROME 1; BAP1 tumor predisposition syndrome; COMMON Syndrome; Tumor susceptibility linked to germline BAP1 mutations. Identifiers: Orphanet 289539, MedGen C3280492, MONDO:0013692, OMIM 614327.
Hereditary cancer-predisposing syndrome. Also called: Hereditary neoplastic syndrome; Neoplastic Syndromes, Hereditary; Tumor predisposition; Hereditary Cancer Syndrome. Identifiers: Orphanet 140162, MedGen C0027672, MeSH D009386, MONDO:0015356.

Submissions (2):

Ambry Genetics
Classification: Likely benign for Hereditary cancer-predisposing syndrome. Last evaluated: 2026-06-03. Review status: criteria provided, single submitter. Criteria: Ambry Variant Classification Scheme 2023. Collection method: clinical testing. Allele origin: germline.

Labcorp Genetics (formerly Invitae), Labcorp
Classification: Uncertain significance for BAP1-related tumor predisposition syndrome. Last evaluated: 2025-01-02. Review status: criteria provided, single submitter. Criteria: Invitae Variant Classification Sherloc (09022015). Collection method: clinical testing. Allele origin: germline.
Comment: This variant, c.1801_1803del, results in the deletion of 1 amino acid(s) of the BAP1 protein (p.Lys601del), but otherwise preserves the integrity of the reading frame. This variant is present in population databases (no rsID available, gnomAD 0.01%). This variant has not been reported in the literature in individuals affected with BAP1-related conditions. ClinVar contains an entry for this variant (Variation ID: 2911664). In summary, the available evidence is currently insufficient to determine the role of this variant in disease. Therefore, it has been classified as a Variant of Uncertain Significance.

Literature cited by the submitters: PubMed 38969833 (cited by Ambry Genetics).

NM_004656.4(BAP1):c.1801_1803del (p.Lys601del)

Gene: BAP1 (BRCA1 associated deubiquitinase 1; minus strand). Cytogenetic location: 3p21.1.
Variant type: Deletion.
Coding change: c.1801_1803del on transcript NM_004656.4 (MANE Select); coding-DNA positions 1801 to 1803, 3 bases deleted (AAG; older notation c.1801_1803delAAG).
Protein change: p.Lys601del; deletes lysine 601.
Molecular consequence: inframe deletion.
Genome position (GRCh38, 1-based): chr3:52,403,225-52,403,227, CTT deleted on the plus strand (AAG on the coding strand, the reverse complement: BAP1 is on the minus strand); deleting any 3 consecutive bases within chr3:52,403,225-52,403,229 gives the same sequence; the c. name uses the placement nearest the transcript's 3' end. VCF-style (leftmost placement, unchanged base first): chr3-52403224-CCTT-C. GRCh37 (hg19) VCF-style: chr3-52437240-CCTT-C.
Other names: c.1747_1749del, p.Lys583del (NM_001410772.1); c.1801_1803delAAG (NM_004656.2); short protein forms K601del, K583del.
Identifiers: ClinVar variation 2911664 (VCV002911664.4), dbSNP rs1440801879, ClinGen allele CA543056565.